The following is an entry in ClinVar:

ClinVar aggregate classification (germline): Likely pathogenic (1 of 4 stars; one submission).

Conditions:
Cohen syndrome (COH1). Also called: PEPPER SYNDROME; Cutis verticis gyrata, retinitis pigmentosa, and sensorineural deafness. Identifiers: Orphanet 193, MedGen C0265223, MONDO:0008999, OMIM 216550.

Submission:

Natera, Inc.
Classification: Likely pathogenic for Cohen syndrome. Last evaluated: 2024-07-16. Review status: criteria provided, single submitter. Criteria: Natera Variant Classification Schema (03/2026). Collection method: clinical testing. Allele origin: germline.
Comment: The c.36_37delinsG variant in VPS13B is a frameshift variant predicted to shift the reading frame beginning at codon 12 and leads to a stop codon 3 codons downstream. This variant is expected to result in nonsense mediated decay, truncation, or a dysfunctional protein product. This variant is rare in the general population with a frequency below the threshold expected for the associated phenotype(s). Given the available evidence, this variant is classified as Likely Pathogenic.

NM_152564.5(VPS13B):c.36_37delinsG (p.Ser12fs)

Gene: VPS13B (vacuolar protein sorting 13 homolog B; plus strand). Cytogenetic location: 8q22.2.
Variant type: Indel.
Coding change: c.36_37delinsG on transcript NM_152564.5 (MANE Select); coding-DNA positions 36 to 37, CT replaced by G.
Protein change: p.Ser12fs; shifts the reading frame from serine 12.
Molecular consequence: frameshift variant. On other transcripts: non-coding transcript variant (1).
Genome position (GRCh38, 1-based): chr8:99,013,824-99,013,825, CT replaced by G. VCF-style: chr8-99013824-CT-G. GRCh37 (hg19) VCF-style: chr8-100026052-CT-G.
Other names: c.36_37delinsG, p.Ser12fs (NM_015243.3, NM_017890.5, NM_181661.3); c.36_37delCTinsG, p.Ser12Argfs (NM_017890.4); short protein forms S12fs.
Identifiers: ClinVar variation 4815948 (VCV004815948.1).